The following is an entry in ClinVar:

NM_177438.3(DICER1):c.287dup (p.Val97fs)

Gene: DICER1 (dicer 1, ribonuclease III; minus strand). Cytogenetic location: 14q32.13.
Variant type: Duplication.
Coding change: c.287dup on transcript NM_177438.3 (MANE Select); coding-DNA position 287, one base duplicated (C; older notation c.287dupC).
Protein change: p.Val97fs; shifts the reading frame from valine 97.
Molecular consequence: frameshift variant. On other transcripts: 5 prime UTR variant (2), non-coding transcript variant (6).
Genome position (GRCh38, 1-based): chr14:95,132,535, G duplicated on the plus strand (C on the coding strand, the reverse complement: DICER1 is on the minus strand). VCF-style (leftmost placement, unchanged base first): chr14-95132534-C-CG. GRCh37 (hg19) VCF-style: chr14-95598871-C-CG.
Other names: c.287dupC (NM_177438.2); c.287dup, p.Val97fs (NM_001195573.1, NM_001271282.3, NM_001291628.2 and 14 more transcripts); c.13dup, p.Arg5fs (NM_001395686.1, NM_001395687.1, NM_001395688.1 and 4 more transcripts); c.-172dup (NM_001395691.1); c.-1282dup (NM_001395697.1); short protein forms V97fs, R5fs.
Identifiers: ClinVar variation 3501951 (VCV003501951.2).

ClinVar aggregate classification (germline): Pathogenic. Review status: criteria provided, multiple submitters, no conflicts (2 of 4 stars). 2 submissions from 2 submitters: Pathogenic (2). Last evaluated 2025-11-03.

Conditions:
Hereditary cancer-predisposing syndrome. Also called: Hereditary Cancer Syndrome; Hereditary neoplastic syndrome; Neoplastic Syndromes, Hereditary; Tumor predisposition. Identifiers: Orphanet 140162, MedGen C0027672, MeSH D009386, MONDO:0015356.
DICER1-related tumor predisposition. Also called: DICER1-related pleuropulmonary blastoma cancer predisposition syndrome; DICER1 syndrome. Identifiers: Orphanet 284343, MedGen C3839822, MONDO:0100216.

Submissions (2):

Labcorp Genetics (formerly Invitae), Labcorp
Classification: Pathogenic for DICER1-related tumor predisposition. Last evaluated: 2025-11-03. Review status: criteria provided, single submitter. Criteria: Invitae Variant Classification Sherloc (09022015). Collection method: clinical testing. Allele origin: germline.
Comment: This sequence change creates a premature translational stop signal (p.Val97Glyfs*48) in the DICER1 gene. It is expected to result in an absent or disrupted protein product. Loss-of-function variants in DICER1 are known to be pathogenic (PMID: 19556464, 21266384). This variant is not present in population databases (gnomAD no frequency). This variant has not been reported in the literature in individuals affected with DICER1-related conditions. ClinVar contains an entry for this variant (Variation ID: 3501951). For these reasons, this variant has been classified as Pathogenic.

Ambry Genetics
Classification: Pathogenic for Hereditary cancer-predisposing syndrome. Last evaluated: 2024-11-26. Review status: criteria provided, single submitter. Criteria: Ambry Variant Classification Scheme 2023. Collection method: clinical testing. Allele origin: germline.
Comment: The c.287dupC pathogenic mutation, located in coding exon 2 of the DICER1 gene, results from a duplication of C at nucleotide position 287, causing a translational frameshift with a predicted alternate stop codon (p.V97Gfs*48). This variant is considered to be rare based on population cohorts in the Genome Aggregation Database (gnomAD). This alteration is expected to result in loss of function by premature protein truncation or nonsense-mediated mRNA decay. As such, this alteration is interpreted as a disease-causing mutation.

Literature cited by the submitters: PubMed 19556464 (cited by Labcorp Genetics (formerly Invitae), Labcorp); PubMed 21266384 (cited by Labcorp Genetics (formerly Invitae), Labcorp).